The following is an entry in ClinVar:

ClinVar aggregate classification (germline): Pathogenic. Review status: criteria provided, multiple submitters, no conflicts (2 of 4 stars). 2 submissions from 2 submitters: Pathogenic (2). Last evaluated 2025-06-03.

Conditions:
Epidermolysis bullosa dystrophica. Also called: Dystrophic epidermolysis bullosa; Dystrophic epidermolysis bullosa, Hallopeau-Siemens type (formerly). Identifiers: Orphanet 303, MedGen C0079294, MONDO:0006543.

Submissions (2):

Natera, Inc.
Classification: Pathogenic for Dystrophic epidermolysis bullosa. Last evaluated: 2025-06-03. Review status: criteria provided, single submitter. Criteria: Natera Variant Classification Schema (03/2026). Collection method: clinical testing. Allele origin: germline.
Comment: The c.3948dup variant in COL7A1 is a frameshift variant predicted to shift the reading frame beginning at codon 1317 and leads to a stop codon 43 codons downstream. This variant is expected to result in nonsense mediated decay, truncation, or a dysfunctional protein product. This variant is rare in the general population with a frequency below the threshold expected for the associated phenotype(s). This variant has been observed in one or more individuals affected with the associated recessive disease, as either homozygous or compound heterozygous with a second variant (PMID: 10504458). Given the available evidence, this variant is classified as Pathogenic.

Labcorp Genetics (formerly Invitae), Labcorp
Classification: Pathogenic. Last evaluated: 2023-04-20. Review status: criteria provided, single submitter. Criteria: Invitae Variant Classification Sherloc (09022015). Collection method: clinical testing. Allele origin: germline.
Comment: For these reasons, this variant has been classified as Pathogenic. This premature translational stop signal has been observed in individual(s) with autosomal recessive dystrophic epidermolysis bullosa (PMID: 9666834). It has also been observed to segregate with disease in related individuals. This variant is not present in population databases (gnomAD no frequency). This sequence change creates a premature translational stop signal (p.Gly1317Trpfs*43) in the COL7A1 gene. It is expected to result in an absent or disrupted protein product. Loss-of-function variants in COL7A1 are known to be pathogenic (PMID: 16971478).

Literature cited by the submitters: PubMed 10504458 (cited by Natera, Inc.); PubMed 9666834 (cited by Labcorp Genetics (formerly Invitae), Labcorp); PubMed 16971478 (cited by Labcorp Genetics (formerly Invitae), Labcorp).

NM_000094.4(COL7A1):c.3948dup (p.Gly1317fs)

Gene: COL7A1 (collagen type VII alpha 1 chain; minus strand). Cytogenetic location: 3p21.31.
Variant type: Duplication.
Coding change: c.3948dup on transcript NM_000094.4 (MANE Select); coding-DNA position 3948, one base duplicated (T; older notation c.3948dupT).
Protein change: p.Gly1317fs; shifts the reading frame from glycine 1317.
Molecular consequence: frameshift variant.
Genome position (GRCh38, 1-based): chr3:48,585,063, A duplicated on the plus strand (T on the coding strand, the reverse complement: COL7A1 is on the minus strand). VCF-style (leftmost placement, unchanged base first): chr3-48585062-C-CA. GRCh37 (hg19) VCF-style: chr3-48622495-C-CA.
Other names: short protein forms G1317fs.
Identifiers: ClinVar variation 2734521 (VCV002734521.4), dbSNP rs2531182274, ClinGen allele CA2586972376.